The following is an entry in ClinVar:

ClinVar aggregate classification (germline): Likely benign. Review status: criteria provided, multiple submitters, no conflicts (2 of 4 stars). 3 submissions from 3 submitters: Likely benign (2). 1 of the submissions does not count toward it. Last evaluated 2023-09-11.

Conditions:
NXF5-related disorder. Also called: NXF5-related condition.

Allele frequency attached by ClinVar (database versions not stated): TOPMed 0.00021; 1000 Genomes Project 0.00026; 1000 Genomes Project 30x 0.00042; gnomAD 0.00044 and 0.00045; ExAC 0.00049; gnomAD exomes 0.00052 and 0.00056.

Submissions (3):

Labcorp Genetics (formerly Invitae), Labcorp
Classification: Likely benign. Last evaluated: 2023-09-11. Review status: criteria provided, single submitter. Criteria: Invitae Variant Classification Sherloc (09022015). Collection method: clinical testing. Allele origin: germline.

CeGaT Center for Human Genetics Tuebingen
Classification: Likely benign. Last evaluated: 2023-01-01. Review status: criteria provided, single submitter. Criteria: CeGaT Center For Human Genetics Tuebingen Variant Classification Criteria Version 2. Collection method: clinical testing. Allele origin: germline. Affected: yes. Observed: 2 variant alleles.
Comment: NXF5: BP4, BS2

PreventionGenetics, part of Exact Sciences
Classification: Likely benign for NXF5-related condition. Last evaluated: 2022-02-03. Review status: no assertion criteria provided. Collection method: clinical testing. Allele origin: germline. Not counted in ClinVar's aggregate classification.
Comment: This variant is classified as likely benign based on ACMG/AMP sequence variant interpretation guidelines (Richards et al. 2015 PMID: 25741868, with internal and published modifications).

NC_000023.11:g.101842786G>A

Gene: NXF5 (nuclear RNA export factor 5; minus strand). Cytogenetic location: Xq22.1.
Variant type: single nucleotide variant.
Molecular consequence: non-coding transcript variant (on NR_028089.1).
Genome position: GRCh38 VCF-style: chrX-101842786-G-A. GRCh37 (hg19) VCF-style: chrX-101097758-G-A.
Other names: NM_032946.2:c.7C>T.
Identifiers: ClinVar variation 726012 (VCV000726012.32), dbSNP rs191549480, ClinGen allele CA10474781.